The following is an entry in ClinVar:

ClinVar aggregate classification (germline): Uncertain significance. Review status: criteria provided, multiple submitters, no conflicts (2 of 4 stars). 2 submissions from 2 submitters: Uncertain significance (2). Last evaluated 2025-09-01.

Conditions:
Inborn genetic diseases. Identifiers: MedGen C0950123, MeSH D030342.

Submissions (2):

Ambry Genetics
Classification: Uncertain significance for Inborn genetic diseases. Last evaluated: 2025-09-01. Review status: criteria provided, single submitter. Criteria: Ambry Variant Classification Scheme 2023. Collection method: clinical testing. Allele origin: germline.

GeneDx
Classification: Uncertain significance. Last evaluated: 2024-01-29. Review status: criteria provided, single submitter. Criteria: GeneDx Variant Classification Process June 2021. Collection method: clinical testing. Allele origin: germline. Affected: yes.
Comment: Not observed at significant frequency in large population cohorts (gnomAD); In silico analysis supports that this missense variant has a deleterious effect on protein structure/function; Has not been previously published as pathogenic or benign to our knowledge

NM_001136193.2(FASTKD2):c.1280A>G (p.Glu427Gly)

Gene: FASTKD2 (FAST kinase domains 2; plus strand). Cytogenetic location: 2q33.3.
Variant type: single nucleotide variant.
Coding change: c.1280A>G on transcript NM_001136193.2 (MANE Select); coding-DNA position 1280, A replaced by G.
Protein change: p.Glu427Gly; replaces glutamic acid 427 with glycine.
Molecular consequence: missense variant.
Genome position (GRCh38, 1-based): chr2:206,774,250, A>G. VCF-style: chr2-206774250-A-G. GRCh37 (hg19) VCF-style: chr2-207638974-A-G.
Other names: c.1280A>G, p.Glu427Gly (NM_001136194.2, NM_014929.4); short protein forms E427G.
Identifiers: ClinVar variation 3368374 (VCV003368374.2).
Genomic context (GRCh38, chr2:206,774,250, plus strand): 5'-ATTATAGAGTTTTCCCTCAATTTTCTCTTTTTAAGGTTCTTTTTATCCTCATTTTATTTG[A>G]AAACCTTGGCTTTCGACCTGTTGGTTTAATGGACCTGTTTATGAAGAGAATAGTAGAGGA-3'
Protein context (NP_001129665.1, residues 417-437): RKVLFILILF[Glu427Gly]NLGFRPVGLM